The following is an entry in ClinVar:

ClinVar aggregate classification (germline): Uncertain significance (1 of 4 stars; one submission).

Conditions:
Channelopathy-associated congenital insensitivity to pain, autosomal recessive. Also called: ASYMBOLIA FOR PAIN; CONGENITAL ANALGESIA, AUTOSOMAL RECESSIVE; Insensitivity to pain, channelopathy-associated. Identifiers: Orphanet 88642, Orphanet 970, MedGen C1855739, MONDO:0009459, OMIM 243000.

Allele frequency attached by ClinVar (database versions not stated): gnomAD 0.00001.
gnomAD v4.1: 1 of 1,614,052 alleles (0.000062%); highest among the groups gnomAD compares: Non-Finnish European, 0.000085%; no homozygotes.

Submission:

Laboratory of Medical Genetics, National & Kapodistrian University of Athens
Classification: Uncertain significance for Channelopathy-associated congenital insensitivity to pain, autosomal recessive. Last evaluated: 2021-10-06. Review status: criteria provided, single submitter. Criteria: ACMG Guidelines, 2015. Collection method: clinical testing. Allele origin: unknown.
Comment: PM2, PP3

NM_001365536.1(SCN9A):c.5102A>G (p.Asp1701Gly)

Genes: SCN1A-AS1 (SCN1A and SCN9A antisense RNA 1; plus strand), SCN9A (sodium voltage-gated channel alpha subunit 9; minus strand). Cytogenetic location: 2q24.3.
Variant type: single nucleotide variant.
Coding change: c.5102A>G on transcript NM_001365536.1 (MANE Select); coding-DNA position 5102, A replaced by G.
Protein change: p.Asp1701Gly; replaces aspartic acid 1701 with glycine.
Molecular consequence: missense variant.
Genome position (GRCh38, 1-based): chr2:166,199,537, T>C on the plus strand (A>G on the coding strand, the complement: SCN9A is on the minus strand). VCF-style: chr2-166199537-T-C. GRCh37 (hg19) VCF-style: chr2-167056047-T-C.
Other names: c.5069A>G, p.Asp1690Gly (NM_002977.4); short protein forms D1690G, D1701G.
Identifiers: ClinVar variation 1299605 (VCV001299605.1), dbSNP rs1693378627, ClinGen allele CA349054701.
Genomic context (GRCh38, chr2:166,199,537, plus strand): 5'-TGAACTTTTTTTGGGTCACAGTCGGGTGGCTTACTGTTAAGAATAGGTGCTAGCAATCCA[T>C]CCCAGCCAGCAGAGGTTGTAATTTGGAACAGGCAAATCATACTGTTGCCAAAGGTCTCAA-3'
Protein context (NP_001352465.1, residues 1691-1711): LFQITTSAGW[Asp1701Gly]GLLAPILNSK